The following is an entry in ClinVar:

ClinVar aggregate classification (germline): Likely benign. Review status: criteria provided, multiple submitters, no conflicts (2 of 4 stars). 3 submissions from 3 submitters: Likely benign (3). Last evaluated 2026-01-01.

Allele frequency attached by ClinVar (database versions not stated): gnomAD exomes 0.00003 and 0.00012; TOPMed 0.00004; ExAC 0.00005; gnomAD 0.00006 and 0.00007; 1000 Genomes Project 30x 0.00031; 1000 Genomes Project 0.00040.
gnomAD v4.1: 183 of 1,613,810 alleles (0.011%); highest among the groups gnomAD compares: Non-Finnish European, 0.015%; no homozygotes.

Submissions (3):

CeGaT Center for Human Genetics Tuebingen
Classification: Likely benign. Last evaluated: 2026-01-01. Review status: criteria provided, single submitter. Criteria: CeGaT Center For Human Genetics Tuebingen Variant Classification Criteria Version 2. Collection method: clinical testing. Allele origin: germline. Affected: yes. Observed: 1 variant allele.
Comment: ANK3: BP4, BP7

Labcorp Genetics (formerly Invitae), Labcorp
Classification: Likely benign. Last evaluated: 2025-04-30. Review status: criteria provided, single submitter. Criteria: Invitae Variant Classification Sherloc (09022015). Collection method: clinical testing. Allele origin: germline.

Genetic Services Laboratory, University of Chicago
Classification: Likely benign. Last evaluated: 2015-12-01. Review status: criteria provided, single submitter. Criteria: ACMG Guidelines, 2015. Collection method: clinical testing. Allele origin: germline. Affected: no.

NM_020987.5(ANK3):c.2721C>T (p.Leu907=)

Gene: ANK3 (ankyrin 3; minus strand). Cytogenetic location: 10q21.2.
Variant type: single nucleotide variant.
Coding change: c.2721C>T on transcript NM_020987.5 (MANE Select); coding-DNA position 2721, C replaced by T.
Protein change: p.Leu907=; no amino-acid change (leucine 907 retained).
Molecular consequence: synonymous variant.
Genome position (GRCh38, 1-based): chr10:60,138,981, G>A on the plus strand (C>T on the coding strand, the complement: ANK3 is on the minus strand). VCF-style: chr10-60138981-G-A. GRCh37 (hg19) VCF-style: chr10-61898739-G-A.
Other names: c.123C>T, p.Leu41= (NM_001149.4); c.2703C>T, p.Leu901= (NM_001204403.2); c.2724C>T, p.Leu908= (NM_001204404.2); c.2721C>T, p.Leu907= (NM_001320874.2).
Identifiers: ClinVar variation 434173 (VCV000434173.17), dbSNP rs142825560, ClinGen allele CA5512690.